The following is an entry in ClinVar:

ClinVar aggregate classification (germline): Uncertain significance (1 of 4 stars; one submission).

Conditions:
Autosomal recessive limb-girdle muscular dystrophy type 2J (LGMDR10). Also called: Limb-girdle muscular dystrophy, type 2J; MUSCULAR DYSTROPHY, LIMB-GIRDLE, AUTOSOMAL RECESSIVE 10. Identifiers: Orphanet 140922, MedGen C1837342, MONDO:0012127, OMIM 608807.
Dilated cardiomyopathy 1G (CMD1G). Identifiers: Orphanet 154, MedGen C1858763, MONDO:0011400, OMIM 604145.

Submission:

Labcorp Genetics (formerly Invitae), Labcorp
Classification: Uncertain significance for Dilated cardiomyopathy 1G; Autosomal recessive limb-girdle muscular dystrophy type 2J. Last evaluated: 2023-10-31. Review status: criteria provided, single submitter. Criteria: Invitae Variant Classification Sherloc (09022015). Collection method: clinical testing. Allele origin: unknown.
Comment: This variant results in the deletion of exon 159 and part of exon 158 (c.35448_35545+706delinsCA) of the TTN gene. It is expected to disrupt RNA splicing and likely results in a truncated or disrupted TTN protein. This variant has not been reported in the literature in individuals affected with TTN-related conditions. This variant is located in the I band of TTN (PMID: 25589632). Truncating variants in this region have been shown to be highly prevalent in the general population and unaffected individuals (PMID: 26701604, 22335739). However, truncating variants in this region have also been reported in individuals affected with autosomal recessive centronuclear myopathy (PMID: 23975875). In summary, the available evidence is currently insufficient to determine the role of this variant in disease. Therefore, it has been classified as a Variant of Uncertain Significance.

Literature cited by the submitters: PubMed 25589632; PubMed 26701604; PubMed 22335739; PubMed 23975875.

NC_000002.11:g.(?_179533394)_(179534341_?)del

Gene: TTN (titin; minus strand). Cytogenetic location: 2q31.2.
Variant type: Deletion.
Identifiers: ClinVar variation 3247299 (VCV003247299.1).